The following is an entry in ClinVar:

ClinVar aggregate classification (germline): Uncertain significance. Review status: criteria provided, multiple submitters, no conflicts (2 of 4 stars). 2 submissions from 2 submitters: Uncertain significance (2). Last evaluated 2025-11-26.

Conditions:
Familial adenomatous polyposis 1 (FAP1). Also called: POLYPOSIS, ADENOMATOUS INTESTINAL; FAMILIAL ADENOMATOUS POLYPOSIS 1, ATTENUATED. Identifiers: MedGen C2713442, MONDO:0021056, OMIM 175100. Disease mechanism: loss of function.
Hereditary cancer-predisposing syndrome. Also called: Neoplastic Syndromes, Hereditary; Tumor predisposition; Hereditary Cancer Syndrome; Hereditary neoplastic syndrome. Identifiers: Orphanet 140162, MedGen C0027672, MeSH D009386, MONDO:0015356.

Submissions (2):

Ambry Genetics
Classification: Uncertain significance for Hereditary cancer-predisposing syndrome. Last evaluated: 2025-11-26. Review status: criteria provided, single submitter. Criteria: Ambry Variant Classification Scheme 2023. Collection method: clinical testing. Allele origin: germline.
Comment: The p.D482Y variant (also known as c.1444G>T), located in coding exon 11 of the APC gene, results from a G to T substitution at nucleotide position 1444. The aspartic acid at codon 482 is replaced by tyrosine, an amino acid with highly dissimilar properties. This amino acid position is highly conserved in available vertebrate species. In addition, in silico predictors for this gene do not accurately predict pathogenicity. Missense variants in APC are not a common cause of disease (Spier I et al. Genet Med. 2024 Feb;26(2):100992). Based on the available evidence, the clinical significance of this variant remains unclear.

Labcorp Genetics (formerly Invitae), Labcorp
Classification: Uncertain significance for Familial adenomatous polyposis 1. Last evaluated: 2022-09-14. Review status: criteria provided, single submitter. Criteria: Invitae Variant Classification Sherloc (09022015). Collection method: clinical testing. Allele origin: germline.
Comment: This sequence change replaces aspartic acid, which is acidic and polar, with tyrosine, which is neutral and polar, at codon 482 of the APC protein (p.Asp482Tyr). This variant is not present in population databases (gnomAD no frequency). This variant has not been reported in the literature in individuals affected with APC-related conditions. Advanced modeling of protein sequence and biophysical properties (such as structural, functional, and spatial information, amino acid conservation, physicochemical variation, residue mobility, and thermodynamic stability) performed at Invitae indicates that this missense variant is not expected to disrupt APC protein function. In summary, the available evidence is currently insufficient to determine the role of this variant in disease. Therefore, it has been classified as a Variant of Uncertain Significance.

NM_000038.6(APC):c.1444G>T (p.Asp482Tyr)

Gene: APC (APC regulator of Wnt signaling pathway; plus strand). Cytogenetic location: 5q22.2.
Variant type: single nucleotide variant.
Coding change: c.1444G>T on transcript NM_000038.6 (MANE Select); coding-DNA position 1444, G replaced by T.
Protein change: p.Asp482Tyr; replaces aspartic acid 482 with tyrosine.
Molecular consequence: missense variant.
Genome position (GRCh38, 1-based): chr5:112,827,143, G>T. VCF-style: chr5-112827143-G-T. GRCh37 (hg19) VCF-style: chr5-112162840-G-T.
Other names: c.1444G>T, p.Asp482Tyr (NM_001127510.3, NM_001354895.2, NM_001407450.1); c.1390G>T, p.Asp464Tyr (NM_001127511.3); c.1498G>T, p.Asp500Tyr (NM_001354896.2, NM_001407447.1, NM_001407448.1 and 1 more transcripts); c.1474G>T, p.Asp492Tyr (NM_001354897.2); c.1369G>T, p.Asp457Tyr (NM_001354898.2); c.1360G>T, p.Asp454Tyr (NM_001354899.2); c.1321G>T, p.Asp441Tyr (NM_001354900.2); c.1267G>T, p.Asp423Tyr (NM_001354901.2, NM_001407453.1); and 12 more; short protein forms D199Y, D322Y, D353Y, D356Y, D381Y, D391Y, D399Y, D423Y.
Identifiers: ClinVar variation 1716092 (VCV001716092.7), dbSNP rs1554081666, ClinGen allele CA16024464.